The following is an entry in ClinVar:

NM_021930.6(RINT1):c.1849G>C (p.Glu617Gln)

Gene: RINT1 (RAD50 interactor 1; plus strand). Cytogenetic location: 7q22.3.
Variant type: single nucleotide variant.
Coding change: c.1849G>C on transcript NM_021930.6 (MANE Select); coding-DNA position 1849, G replaced by C.
Protein change: p.Glu617Gln; replaces glutamic acid 617 with glutamine.
Molecular consequence: missense variant. On other transcripts: non-coding transcript variant (1).
Genome position (GRCh38, 1-based): chr7:105,563,910, G>C. VCF-style: chr7-105563910-G-C. GRCh37 (hg19) VCF-style: chr7-105204357-G-C.
Other names: c.1615G>C, p.Glu539Gln (NM_001346599.2); c.826G>C, p.Glu276Gln (NM_001346600.2, NM_001346603.2); c.925G>C, p.Glu309Gln (NM_001346601.2); short protein forms E276Q, E617Q, E539Q, E309Q.
Identifiers: ClinVar variation 2563368 (VCV002563368.2), dbSNP rs1421126665, ClinGen allele CA368814183.

ClinVar aggregate classification (germline): Uncertain significance (1 of 4 stars; one submission).

Submission:

Ambry Genetics
Classification: Uncertain significance. Last evaluated: 2023-06-08. Review status: criteria provided, single submitter. Criteria: Ambry Variant Classification Scheme 2023. Collection method: clinical testing. Allele origin: germline.
Comment: The p.E617Q variant (also known as c.1849G>C), located in coding exon 12 of the RINT1 gene, results from a G to C substitution at nucleotide position 1849. The glutamic acid at codon 617 is replaced by glutamine, an amino acid with highly similar properties. This amino acid position is conserved. In addition, this alteration is predicted to be tolerated by in silico analysis. Since supporting evidence is limited at this time, the clinical significance of this alteration remains unclear.